The following is an entry in ClinVar:

ClinVar aggregate classification (germline): Conflicting classifications of pathogenicity. Review status: criteria provided, conflicting classifications (1 of 4 stars). 3 submissions from 3 submitters: Uncertain significance (1); Likely benign (2). Last evaluated 2024-08-01.

Allele frequency attached by ClinVar (database versions not stated): gnomAD 0.00004; TOPMed 0.00005; ESP Exome Variant Server 0.00008.
gnomAD v4.1: 104 of 1,613,320 alleles (0.0064%); highest among the groups gnomAD compares: African/African-American, 0.013%; no homozygotes.

Submissions (3):

CeGaT Center for Human Genetics Tuebingen
Classification: Likely benign. Last evaluated: 2024-08-01. Review status: criteria provided, single submitter. Criteria: CeGaT Center For Human Genetics Tuebingen Variant Classification Criteria Version 2. Collection method: clinical testing. Allele origin: germline. Affected: yes. Observed: 1 variant allele.
Comment: GRIK2: BP4, BP7

Labcorp Genetics (formerly Invitae), Labcorp
Classification: Likely benign. Last evaluated: 2019-12-31. Review status: criteria provided, single submitter. Criteria: Invitae Variant Classification Sherloc (09022015). Collection method: clinical testing. Allele origin: germline.

Genetic Services Laboratory, University of Chicago
Classification: Uncertain significance. Last evaluated: 2015-07-21. Review status: criteria provided, single submitter. Criteria: ACMG Guidelines, 2015. Collection method: clinical testing. Allele origin: germline.

NM_021956.5(GRIK2):c.2487C>T (p.Ala829=)

Gene: GRIK2 (glutamate ionotropic receptor kainate type subunit 2; plus strand). Cytogenetic location: 6q16.3.
Variant type: single nucleotide variant.
Coding change: c.2487C>T on transcript NM_021956.5 (MANE Select); coding-DNA position 2487, C replaced by T.
Protein change: p.Ala829=; no amino-acid change (alanine 829 retained).
Molecular consequence: synonymous variant.
Genome position (GRCh38, 1-based): chr6:102,055,505, C>T. VCF-style: chr6-102055505-C-T. GRCh37 (hg19) VCF-style: chr6-102503380-C-T.
Other names: c.2487C>T, p.Ala829= (NM_001166247.1, NM_175768.3).
Identifiers: ClinVar variation 211104 (VCV000211104.26), dbSNP rs370196358, ClinGen allele CA205302.